The following is an entry in ClinVar:

NM_170784.3(MKKS):c.1474G>C (p.Asp492His)

Gene: MKKS (MKKS centrosomal shuttling protein; minus strand). Cytogenetic location: 20p12.2.
Variant type: single nucleotide variant.
Coding change: c.1474G>C on transcript NM_170784.3 (MANE Select); coding-DNA position 1474, G replaced by C.
Protein change: p.Asp492His; replaces aspartic acid 492 with histidine.
Molecular consequence: missense variant. On other transcripts: non-coding transcript variant (1).
Genome position (GRCh38, 1-based): chr20:10,405,486, C>G on the plus strand (G>C on the coding strand, the complement: MKKS is on the minus strand). VCF-style: chr20-10405486-C-G. GRCh37 (hg19) VCF-style: chr20-10386134-C-G.
Other names: c.1474G>C, p.Asp492His (NM_018848.3); short protein forms D492H.
Identifiers: ClinVar variation 852291 (VCV000852291.8), dbSNP rs142327258, ClinGen allele CA9763468.

ClinVar aggregate classification (germline): Uncertain significance. Review status: criteria provided, multiple submitters, no conflicts (2 of 4 stars). 4 submissions from 4 submitters: Uncertain significance (2). 2 of the submissions do not count toward it. Last evaluated 2024-10-14.

Conditions:
MKKS-related disorder. Also called: MKKS-related disorders; MKKS-related condition.
Retinal dystrophy. Also called: Inherited retinal dystrophy. Identifiers: Orphanet 71862, MedGen C0854723, MeSH D058499, MONDO:0019118, HP:0000556.
Bardet-Biedl syndrome (BBS). Identifiers: Orphanet 110, MedGen C0752166, MONDO:0015229.
McKusick-Kaufman syndrome (MKKS). Also called: HYDROMETROCOLPOS SYNDROME; HYDROMETROCOLPOS, POSTAXIAL POLYDACTYLY, AND CONGENITAL HEART MALFORMATION. Identifiers: Orphanet 2473, MedGen C0948368, MONDO:0009367, OMIM 236700.

Allele frequency attached by ClinVar (database versions not stated): TOPMed 0.00002.
gnomAD v4.1: 32 of 1,614,096 alleles (0.002%); highest among the groups gnomAD compares: Non-Finnish European, 0.0024%; no homozygotes.

Submissions (4):

Blueprint Genetics
Classification: Uncertain significance. Last evaluated: 2024-10-14. Review status: criteria provided, single submitter. Criteria: ACMG Guidelines, 2015. Collection method: clinical testing. Allele origin: germline.

Labcorp Genetics (formerly Invitae), Labcorp
Classification: Uncertain significance for McKusick-Kaufman syndrome; Bardet-Biedl syndrome. Last evaluated: 2022-07-12. Review status: criteria provided, single submitter. Criteria: Invitae Variant Classification Sherloc (09022015). Collection method: clinical testing. Allele origin: germline.
Comment: This sequence change replaces aspartic acid, which is acidic and polar, with histidine, which is basic and polar, at codon 492 of the MKKS protein (p.Asp492His). This variant is present in population databases (rs142327258, gnomAD 0.006%). This variant has not been reported in the literature in individuals affected with MKKS-related conditions. ClinVar contains an entry for this variant (Variation ID: 852291). Algorithms developed to predict the effect of missense changes on protein structure and function are either unavailable or do not agree on the potential impact of this missense change (SIFT: "Deleterious"; PolyPhen-2: "Probably Damaging"; Align-GVGD: "Class C0"). Algorithms developed to predict the effect of sequence changes on RNA splicing suggest that this variant may create or strengthen a splice site. In summary, the available evidence is currently insufficient to determine the role of this variant in disease. Therefore, it has been classified as a Variant of Uncertain Significance.

PreventionGenetics, part of Exact Sciences
Classification: Uncertain significance for MKKS-related condition. Last evaluated: 2024-05-17. Review status: no assertion criteria provided. Collection method: clinical testing. Allele origin: germline. Not counted in ClinVar's aggregate classification.
Comment: The MKKS c.1474G>C variant is predicted to result in the amino acid substitution p.Asp492His. To our knowledge, this variant has not been reported in the literature. This variant is reported in 0.0062% of alleles in individuals of European (Non-Finnish) descent in gnomAD. At this time, the clinical significance of this variant is uncertain due to the absence of conclusive functional and genetic evidence.

Institute of Human Genetics, Univ. Regensburg, Univ. Regensburg
Classification: Uncertain significance for Retinal dystrophy. Last evaluated: 2022-01-01. Review status: no assertion criteria provided. Criteria: ACMG Guidelines, 2015. Collection method: clinical testing. Allele origin: germline. Affected: yes. Not counted in ClinVar's aggregate classification.